The following is an entry in ClinVar:

NM_000492.4(CFTR):c.2287G>T (p.Ala763Ser)

Gene: CFTR (CF transmembrane conductance regulator; plus strand). Cytogenetic location: 7q31.2.
Variant type: single nucleotide variant.
Coding change: c.2287G>T on transcript NM_000492.4 (MANE Select); coding-DNA position 2287, G replaced by T.
Protein change: p.Ala763Ser; replaces alanine 763 with serine.
Molecular consequence: missense variant.
Genome position (GRCh38, 1-based): chr7:117,592,454, G>T. VCF-style: chr7-117592454-G-T. GRCh37 (hg19) VCF-style: chr7-117232508-G-T.
Other names: short protein forms A763S.
Identifiers: ClinVar variation 2587599 (VCV002587599.2), dbSNP rs2116032836, ClinGen allele CA368980855.

ClinVar aggregate classification (germline): Uncertain significance (1 of 4 stars; one submission).

Conditions:
Cystic fibrosis (CF). Also called: MUCOVISCIDOSIS. Identifiers: Orphanet 586, MedGen C0010674, MONDO:0009061, OMIM 219700. Disease mechanism: loss of function.

Submission:

Ambry Genetics
Classification: Uncertain significance for Cystic fibrosis. Last evaluated: 2023-06-17. Review status: criteria provided, single submitter. Criteria: Ambry Variant Classification Scheme 2023. Collection method: clinical testing. Allele origin: germline.
Comment: The p.A763S variant (also known as c.2287G>T), located in coding exon 14 of the CFTR gene, results from a G to T substitution at nucleotide position 2287. The alanine at codon 763 is replaced by serine, an amino acid with similar properties. This amino acid position is conserved. In addition, the in silico prediction for this alteration is inconclusive. Since supporting evidence is limited at this time, the clinical significance of this alteration remains unclear.